The following is an entry in ClinVar:

ClinVar aggregate classification (germline): Uncertain significance (1 of 4 stars; one submission).

Submission:

Labcorp Genetics (formerly Invitae), Labcorp
Classification: Uncertain significance. Last evaluated: 2022-08-25. Review status: criteria provided, single submitter. Criteria: Invitae Variant Classification Sherloc (09022015). Collection method: clinical testing. Allele origin: germline.
Comment: In summary, the available evidence is currently insufficient to determine the role of this variant in disease. Therefore, it has been classified as a Variant of Uncertain Significance. Algorithms developed to predict the effect of missense changes on protein structure and function are either unavailable or do not agree on the potential impact of this missense change (SIFT: "Not Available"; PolyPhen-2: "Benign"; Align-GVGD: "Not Available"). ClinVar contains an entry for this variant (Variation ID: 1445145). This variant has not been reported in the literature in individuals affected with UBA5-related conditions. This variant is not present in population databases (gnomAD no frequency). This sequence change replaces glycine, which is neutral and non-polar, with glutamic acid, which is acidic and polar, at codon 172 of the UBA5 protein (p.Gly172Glu).

NM_024818.6(UBA5):c.515G>A (p.Gly172Glu)

Genes: NPHP3-ACAD11 (NPHP3-ACAD11 readthrough (NMD candidate); minus strand), UBA5 (ubiquitin like modifier activating enzyme 5; plus strand). Cytogenetic location: 3q22.1.
Variant type: single nucleotide variant.
Coding change: c.515G>A on transcript NM_024818.6 (MANE Select); coding-DNA position 515, G replaced by A.
Protein change: p.Gly172Glu; replaces glycine 172 with glutamic acid.
Molecular consequence: missense variant.
Genome position (GRCh38, 1-based): chr3:132,670,985, G>A. VCF-style: chr3-132670985-G-A. GRCh37 (hg19) VCF-style: chr3-132389829-G-A.
Other names: c.347G>A, p.Gly116Glu (NM_001320210.2, NM_198329.4); c.245G>A, p.Gly82Glu (NM_001321238.2); c.179G>A, p.Gly60Glu (NM_001321239.1); short protein forms G82E, G116E, G60E, G172E.
Identifiers: ClinVar variation 1445145 (VCV001445145.8), dbSNP rs2107941261, ClinGen allele CA354573662.